The following is an entry in ClinVar:

NM_001354604.2(MITF):c.394C>A (p.Gln132Lys)

Gene: MITF (melanocyte inducing transcription factor; plus strand). Cytogenetic location: 3p13.
Variant type: single nucleotide variant.
Coding change: c.394C>A on transcript NM_001354604.2 (MANE Select); coding-DNA position 394, C replaced by A.
Protein change: p.Gln132Lys; replaces glutamine 132 with lysine.
Molecular consequence: missense variant.
Genome position (GRCh38, 1-based): chr3:69,937,861, C>A. VCF-style: chr3-69937861-C-A. GRCh37 (hg19) VCF-style: chr3-69987012-C-A.
Other names: c.394C>A (NM_198159.2); c.73C>A, p.Gln25Lys (NM_000248.4, NM_001184968.2, NM_198158.3 and 1 more transcripts); c.238C>A, p.Gln80Lys (NM_001184967.2, NM_001354608.2); c.391C>A, p.Gln131Lys (NM_001354605.2, NM_001354606.2, NM_006722.3); c.343C>A, p.Gln115Lys (NM_001354607.2); c.394C>A, p.Gln132Lys (NM_198159.3); c.346C>A, p.Gln116Lys (NM_198177.3); short protein forms Q25K, Q132K, Q80K, Q116K, Q115K, Q131K.
Identifiers: ClinVar variation 493364 (VCV000493364.57), dbSNP rs201297175, ClinGen allele CA2490352.

ClinVar aggregate classification (germline): Uncertain significance. Review status: criteria provided, multiple submitters, no conflicts (2 of 4 stars). 7 submissions from 7 submitters: Uncertain significance (7). Last evaluated 2026-09-02.

Conditions:
Melanoma, cutaneous malignant, susceptibility to, 8. Also called: MELANOMA AND RENAL CELL CARCINOMA, SUSCEPTIBILITY TO; Cutaneous malignant melanoma 8. Identifiers: Orphanet 293822, MedGen C3152204, MONDO:0013759, OMIM 614456.
Tietz syndrome (TADS). Also called: HYPOPIGMENTATION/DEAFNESS OF TIETZ; ALBINISM-DEAFNESS OF TIETZ; TIETZ ALBINISM-DEAFNESS SYNDROME. Identifiers: Orphanet 42665, MedGen C0391816, MONDO:0007077, OMIM 103500.
Waardenburg syndrome type 2A (WS2A). Also called: WAARDENBURG SYNDROME WITHOUT DYSTOPIA CANTHORUM. Identifiers: Orphanet 3440, MedGen C1860339, MONDO:0008671, OMIM 193510.

Allele frequency attached by ClinVar (database versions not stated): TOPMed 0.00006; ESP Exome Variant Server 0.00008; gnomAD exomes 0.00014; ExAC 0.00017; gnomAD 0.00019.
gnomAD v4.1: 203 of 1,613,992 alleles (0.013%); highest among the groups gnomAD compares: Non-Finnish European, 0.016%; no homozygotes.

Submissions (7):

GeneDx
Classification: Uncertain significance. Last evaluated: 2026-09-02. Review status: criteria provided, single submitter. Criteria: GeneDx Variant Classification Process June 2021. Collection method: clinical testing. Allele origin: germline.
Comment: Observed in at least one individual with an unspecified cancer undergoing multigene panel testing (PMID: 28873162); In silico analysis supports that this missense variant has a deleterious effect on protein structure/function; This variant is associated with the following publications: (PMID: 28873162, 31681433)

Women's Health and Genetics/Laboratory Corporation of America, LabCorp
Classification: Uncertain significance. Last evaluated: 2026-05-20. Review status: criteria provided, single submitter. Criteria: LabCorp Variant Classification Summary - May 2015. Collection method: clinical testing. Allele origin: germline.
Comment: Variant summary: MITF c.73C>A (p.Gln25Lys) results in a conservative amino acid change in the encoded protein sequence. Algorithms developed to predict the effect of missense changes on protein structure and function are either unavailable or do not agree on the potential impact of this missense change. The variant allele was found at a frequency of 0.00014 in 251216 control chromosomes, predominantly at a frequency of 0.00028 within the Non-Finnish European subpopulation in the gnomAD database. This frequency is not significantly higher than estimated for disease-causing variants in MITF, allowing no conclusion about variant significance. To our knowledge, no occurrence of c.73C>A in individuals affected with MITF-related conditions and no experimental evidence demonstrating its impact on protein function have been reported. ClinVar contains an entry for this variant (Variation ID: 493364). Based on the evidence outlined above, the variant was classified as uncertain significance.

Labcorp Genetics (formerly Invitae), Labcorp
Classification: Uncertain significance for Melanoma, cutaneous malignant, susceptibility to, 8; Waardenburg syndrome type 2A; Tietz syndrome. Last evaluated: 2026-01-28. Review status: criteria provided, single submitter. Criteria: Invitae Variant Classification Sherloc (09022015). Collection method: clinical testing. Allele origin: germline.
Comment: This sequence change replaces glutamine, which is neutral and polar, with lysine, which is basic and polar, at codon 25 of the MITF protein (p.Gln25Lys). This variant is present in population databases (rs201297175, gnomAD 0.04%). This variant has not been reported in the literature in individuals affected with MITF-related conditions. ClinVar contains an entry for this variant (Variation ID: 493364). Invitae Evidence Modeling of protein sequence and biophysical properties (such as structural, functional, and spatial information, amino acid conservation, physicochemical variation, residue mobility, and thermodynamic stability) indicates that this missense variant is expected to disrupt MITF protein function with a positive predictive value of 80%. In summary, the available evidence is currently insufficient to determine the role of this variant in disease. Therefore, it has been classified as a Variant of Uncertain Significance.

St. Jude Molecular Pathology, St. Jude Children's Research Hospital
Classification: Uncertain significance for Melanoma, cutaneous malignant, susceptibility to, 8. Last evaluated: 2022-09-09. Review status: criteria provided, single submitter. Criteria: St. Jude Assertion Criteria 2020. Collection method: clinical testing. Allele origin: germline.
Comment: The MITF c.394C>A (p.Gln132Lys) missense change has a maximum subpopulation frequency of 0.040% in gnomAD v2.1.1. The in silico tool REVEL predicts a benign effect on protein function, but to our knowledge this prediction has not been confirmed by functional studies. This variant has been reported in at least one individual who met guidelines from hereditary cancer risk evaluation, but the individual(s) cancer type was not detailed (PMID: 27153395). In summary, the evidence currently available is insufficient to determine the clinical significance of this variant. It has therefore been classified as of uncertain significance.

Institute for Clinical Genetics, University Hospital TU Dresden, University Hospital TU Dresden
Classification: Uncertain significance. Last evaluated: 2021-11-03. Review status: criteria provided, single submitter. Criteria: ACMG Guidelines, 2015. Collection method: clinical testing. Allele origin: germline.

Laboratory for Molecular Medicine, Mass General Brigham Personalized Medicine
Classification: Uncertain significance. Last evaluated: 2018-09-04. Review status: criteria provided, single submitter. Criteria: LMM Criteria. Collection method: clinical testing. Allele origin: germline. Observed: 1 variant allele.
Comment: Variant classified as Uncertain Significance - Favor Benign. The p.Gln25Lys vari ant in MITF has not been previously reported in individuals with Waardenburg syn drome, but has been identified in 0.04% (52/126550) of European chromosomes by g nomAD. Computational prediction tools and con servation analyses do not provide strong support for or against an impact to the protein. In summary, while the clinical significance of the p.Gln25Lys variant is uncertain, the frequency data suggest that it is more likely to be benign. AC MG/AMP Criteria applied: BS1_Supporting.

CeGaT Center for Human Genetics Tuebingen
Classification: Uncertain significance. Last evaluated: 2017-09-01. Review status: criteria provided, single submitter. Criteria: CeGaT Center For Human Genetics Tuebingen Variant Classification Criteria Version 2. Collection method: clinical testing. Allele origin: germline. Affected: yes. Observed: 1 variant allele.